The following is an entry in ClinVar:

NM_001029883.3(PCARE):c.3244C>G (p.Pro1082Ala)

Gene: PCARE (photoreceptor cilium actin regulator; minus strand). Cytogenetic location: 2p23.2.
Variant type: single nucleotide variant.
Coding change: c.3244C>G on transcript NM_001029883.3 (MANE Select); coding-DNA position 3244, C replaced by G.
Protein change: p.Pro1082Ala; replaces proline 1082 with alanine.
Molecular consequence: missense variant.
Genome position (GRCh38, 1-based): chr2:29,071,018, G>C on the plus strand (C>G on the coding strand, the complement: PCARE is on the minus strand). VCF-style: chr2-29071018-G-C. GRCh37 (hg19) VCF-style: chr2-29293884-G-C.
Other names: short protein forms P1082A.
Identifiers: ClinVar variation 966683 (VCV000966683.9), dbSNP rs1667467698, ClinGen allele CA346475516.

ClinVar aggregate classification (germline): Uncertain significance (1 of 4 stars; one submission).

Submission:

Labcorp Genetics (formerly Invitae), Labcorp
Classification: Uncertain significance. Last evaluated: 2019-10-13. Review status: criteria provided, single submitter. Criteria: Invitae Variant Classification Sherloc (09022015). Collection method: clinical testing. Allele origin: germline.
Comment: In summary, the available evidence is currently insufficient to determine the role of this variant in disease. Therefore, it has been classified as a Variant of Uncertain Significance. Algorithms developed to predict the effect of missense changes on protein structure and function (SIFT, PolyPhen-2, Align-GVGD) all suggest that this variant is likely to be tolerated, but these predictions have not been confirmed by published functional studies and their clinical significance is uncertain. This variant has not been reported in the literature in individuals with PCARE-related conditions. This variant is not present in population databases (ExAC no frequency). This sequence change replaces proline with alanine at codon 1082 of the PCARE protein (p.Pro1082Ala). The proline residue is moderately conserved and there is a small physicochemical difference between proline and alanine.